The following is an entry in ClinVar:

ClinVar aggregate classification (germline): Uncertain significance (1 of 4 stars; one submission).

Allele frequency attached by ClinVar (database versions not stated): gnomAD 0.00001; gnomAD exomes 0.00002 and 0.00003; TOPMed 0.00002; ExAC 0.00005.
gnomAD v4.1: 33 of 1,614,004 alleles (0.002%); highest among the groups gnomAD compares: African/African-American, 0.0053%; no homozygotes.

Submission:

Labcorp Genetics (formerly Invitae), Labcorp
Classification: Uncertain significance. Last evaluated: 2021-08-31. Review status: criteria provided, single submitter. Criteria: Invitae Variant Classification Sherloc (09022015). Collection method: clinical testing. Allele origin: germline.
Comment: This sequence change replaces isoleucine with valine at codon 52 of the MYO5B protein (p.Ile52Val). The isoleucine residue is moderately conserved and there is a small physicochemical difference between isoleucine and valine. This variant is present in population databases (rs761877616, ExAC 0.01%). This variant has not been reported in the literature in individuals affected with MYO5B-related conditions. Algorithms developed to predict the effect of missense changes on protein structure and function output the following: SIFT: "Tolerated"; PolyPhen-2: "Benign"; Align-GVGD: "Class C0". The valine amino acid residue is found in multiple mammalian species, which suggests that this missense change does not adversely affect protein function. Algorithms developed to predict the effect of sequence changes on RNA splicing suggest that this variant may create or strengthen a splice site. In summary, the available evidence is currently insufficient to determine the role of this variant in disease. Therefore, it has been classified as a Variant of Uncertain Significance.

NM_001080467.3(MYO5B):c.154A>G (p.Ile52Val)

Gene: MYO5B (myosin VB; minus strand). Cytogenetic location: 18q21.1.
Variant type: single nucleotide variant.
Coding change: c.154A>G on transcript NM_001080467.3 (MANE Select); coding-DNA position 154, A replaced by G.
Protein change: p.Ile52Val; replaces isoleucine 52 with valine.
Molecular consequence: missense variant.
Genome position (GRCh38, 1-based): chr18:50,040,299, T>C on the plus strand (A>G on the coding strand, the complement: MYO5B is on the minus strand). VCF-style: chr18-50040299-T-C. GRCh37 (hg19) VCF-style: chr18-47566669-T-C.
Other names: short protein forms I52V.
Identifiers: ClinVar variation 1501481 (VCV001501481.5), dbSNP rs761877616, ClinGen allele CA8961964.